The following is an entry in ClinVar:

ClinVar aggregate classification (germline): Uncertain significance (1 of 4 stars; one submission).

Submission:

Labcorp Genetics (formerly Invitae), Labcorp
Classification: Uncertain significance. Last evaluated: 2025-09-23. Review status: criteria provided, single submitter. Criteria: Invitae Variant Classification Sherloc (09022015). Collection method: clinical testing. Allele origin: germline.
Comment: This sequence change replaces phenylalanine, which is neutral and non-polar, with leucine, which is neutral and non-polar, at codon 350 of the KLF10 protein (p.Phe350Leu). This variant is not present in population databases (gnomAD no frequency). This variant has not been reported in the literature in individuals affected with KLF10-related conditions. An algorithm developed to predict the effect of missense changes on protein structure and function outputs the following: PolyPhen-2: "Benign". The leucine amino acid residue is found in multiple mammalian species, which suggests that this missense change does not adversely affect protein function. In summary, the available evidence is currently insufficient to determine the role of this variant in disease. Therefore, it has been classified as a Variant of Uncertain Significance.

NM_005655.4(KLF10):c.1050T>G (p.Phe350Leu)

Gene: KLF10 (KLF transcription factor 10; minus strand). Cytogenetic location: 8q22.3.
Variant type: single nucleotide variant.
Coding change: c.1050T>G on transcript NM_005655.4 (MANE Select); coding-DNA position 1050, T replaced by G.
Protein change: p.Phe350Leu; replaces phenylalanine 350 with leucine.
Molecular consequence: missense variant.
Genome position (GRCh38, 1-based): chr8:102,651,282, A>C on the plus strand (T>G on the coding strand, the complement: KLF10 is on the minus strand). VCF-style: chr8-102651282-A-C. GRCh37 (hg19) VCF-style: chr8-103663510-A-C.
Other names: c.1017T>G, p.Phe339Leu (NM_001032282.4); short protein forms F339L, F350L.
Identifiers: ClinVar variation 4799392 (VCV004799392.1).